The following is an entry in ClinVar:

NM_001040142.2(SCN2A):c.4389dup (p.Thr1464fs)

Gene: SCN2A (sodium voltage-gated channel alpha subunit 2; plus strand). Cytogenetic location: 2q24.3.
Variant type: Duplication.
Coding change: c.4389dup on transcript NM_001040142.2 (MANE Select); coding-DNA position 4389, one base duplicated (T; older notation c.4389dupT).
Protein change: p.Thr1464fs; shifts the reading frame from threonine 1464.
Molecular consequence: frameshift variant.
Genome position (GRCh38, 1-based): chr2:165,380,672, T duplicated; the last of 3 consecutive T bases (chr2:165,380,670-165,380,672); duplicating any one gives the same sequence. VCF-style (leftmost placement, unchanged base first): chr2-165380669-C-CT. GRCh37 (hg19) VCF-style: chr2-166237179-C-CT.
Other names: c.4389dup, p.Thr1464fs (NM_001040143.2, NM_001371246.1, NM_001371247.1 and 1 more transcripts); short protein forms T1464fs.
Identifiers: ClinVar variation 857716 (VCV000857716.3), dbSNP rs1701553164, ClinGen allele CA916082218.

ClinVar aggregate classification (germline): Pathogenic (1 of 4 stars; one submission).

Conditions:
Seizures, benign familial infantile, 3 (BFIS3). Also called: Familial neonatal seizures; CONVULSIONS, BENIGN FAMILIAL INFANTILE, 3. Identifiers: Orphanet 140927, Orphanet 306, MedGen C1843140, MONDO:0011904, OMIM 607745.
Developmental and epileptic encephalopathy, 11 (DEE11). Also called: Early infantile epileptic encephalopathy 11. Identifiers: Orphanet 1934, MedGen C3150987, MONDO:0013388, OMIM 613721.

Submission:

Labcorp Genetics (formerly Invitae), Labcorp
Classification: Pathogenic for Seizures, benign familial infantile, 3; Developmental and epileptic encephalopathy, 11. Last evaluated: 2019-03-13. Review status: criteria provided, single submitter. Criteria: Invitae Variant Classification Sherloc (09022015). Collection method: clinical testing. Allele origin: germline.
Comment: This sequence change creates a premature translational stop signal (p.Thr1464Tyrfs*12) in the SCN2A gene. It is expected to result in an absent or disrupted protein product. This variant is not present in population databases (ExAC no frequency). This variant has not been reported in the literature in individuals with SCN2A-related conditions. Loss-of-function variants in SCN2A are known to be pathogenic (PMID: 22495306, 23020937, 24650168). For these reasons, this variant has been classified as Pathogenic.

Literature cited by the submitters: PubMed 22495306; PubMed 23020937; PubMed 24650168.